The following is an entry in ClinVar:

ClinVar aggregate classification (germline): Likely benign. Review status: criteria provided, multiple submitters, no conflicts (2 of 4 stars). 5 submissions from 5 submitters: Likely benign (4). 1 of the submissions does not count toward it. Last evaluated 2025-05-27.

Conditions:
PIEZO1-related disorder. Also called: PIEZO1-related condition; PIEZO1-Related Disorders.

Allele frequency attached by ClinVar (database versions not stated): TOPMed 0.00021; ESP Exome Variant Server 0.00022; 1000 Genomes Project 30x 0.00062; 1000 Genomes Project 0.00100.
gnomAD v4.1: 250 of 1,550,442 alleles (0.016%); highest among the groups gnomAD compares: East Asian, 0.29%; no homozygotes.

Submissions (5):

Labcorp Genetics (formerly Invitae), Labcorp
Classification: Likely benign. Last evaluated: 2025-05-27. Review status: criteria provided, single submitter. Criteria: Invitae Variant Classification Sherloc (09022015). Collection method: clinical testing. Allele origin: germline.

Blueprint Genetics
Classification: Likely benign. Last evaluated: 2024-02-05. Review status: criteria provided, single submitter. Criteria: ACMG Guidelines, 2015. Collection method: clinical testing. Allele origin: germline.

ARUP Laboratories, Molecular Genetics and Genomics, ARUP Laboratories
Classification: Likely benign. Last evaluated: 2024-01-30. Review status: criteria provided, single submitter. Criteria: ARUP Molecular Germline Variant Investigation Process 2024. Collection method: clinical testing. Allele origin: germline.

Breakthrough Genomics
Classification: Likely benign. Review status: criteria provided, single submitter. Criteria: ACMG Guidelines, 2015. Collection method: not provided. Allele origin: germline. Inheritance: Autosomal recessive inheritance. Affected: yes.

PreventionGenetics, part of Exact Sciences
Classification: Likely benign for PIEZO1-related condition. Last evaluated: 2024-09-03. Review status: no assertion criteria provided. Collection method: clinical testing. Allele origin: germline. Not counted in ClinVar's aggregate classification.
Comment: This variant is classified as likely benign based on ACMG/AMP sequence variant interpretation guidelines (Richards et al. 2015 PMID: 25741868, with internal and published modifications).

NM_001142864.4(PIEZO1):c.6231C>T (p.Ser2077=)

Gene: PIEZO1 (piezo type mechanosensitive ion channel component 1 (Er blood group); minus strand). Cytogenetic location: 16q24.3.
Variant type: single nucleotide variant.
Coding change: c.6231C>T on transcript NM_001142864.4 (MANE Select); coding-DNA position 6231, C replaced by T.
Protein change: p.Ser2077=; no amino-acid change (serine 2077 retained).
Molecular consequence: synonymous variant.
Genome position (GRCh38, 1-based): chr16:88,719,894, G>A on the plus strand (C>T on the coding strand, the complement: PIEZO1 is on the minus strand). VCF-style: chr16-88719894-G-A. GRCh37 (hg19) VCF-style: chr16-88786302-G-A.
Identifiers: ClinVar variation 722665 (VCV000722665.12), dbSNP rs142188206, ClinGen allele CA8231675.